The following is an entry in ClinVar:

NM_001080453.3(INTS1):c.3702C>T (p.Ala1234=)

Gene: INTS1 (integrator complex subunit 1; minus strand). Cytogenetic location: 7p22.3.
Variant type: single nucleotide variant.
Coding change: c.3702C>T on transcript NM_001080453.3 (MANE Select); coding-DNA position 3702, C replaced by T.
Protein change: p.Ala1234=; no amino-acid change (alanine 1234 retained).
Molecular consequence: synonymous variant.
Genome position (GRCh38, 1-based): chr7:1,482,547, G>A on the plus strand (C>T on the coding strand, the complement: INTS1 is on the minus strand). VCF-style: chr7-1482547-G-A. GRCh37 (hg19) VCF-style: chr7-1522183-G-A.
Other names: c.219C>T, p.Ala73= (NM_015674.1).
Identifiers: ClinVar variation 3047621 (VCV003047621.2), dbSNP rs201306145, ClinGen allele CA4119173.

ClinVar aggregate classification (germline): Likely benign (0 of 4 stars; one submission).

Conditions:
INTS1-related disorder. Also called: INTS1-related condition.

Allele frequency attached by ClinVar (database versions not stated): gnomAD exomes 0.00002; ExAC 0.00006; gnomAD 0.00007; TOPMed 0.00009; ESP Exome Variant Server 0.00016; 1000 Genomes Project 0.00020; 1000 Genomes Project 30x 0.00031.
gnomAD v4.1: 38 of 1,606,666 alleles (0.0024%); highest among the groups gnomAD compares: African/African-American, 0.02%; no homozygotes.

Submission:

PreventionGenetics, part of Exact Sciences
Classification: Likely benign for INTS1-related condition. Last evaluated: 2019-03-18. Review status: no assertion criteria provided. Collection method: clinical testing. Allele origin: germline.
Comment: This variant is classified as likely benign based on ACMG/AMP sequence variant interpretation guidelines (Richards et al. 2015 PMID: 25741868, with internal and published modifications).